The following is an entry in ClinVar:

NM_000064.4(C3):c.303_304delinsAG (p.Arg102Gly)

Gene: C3 (complement C3; minus strand). Cytogenetic location: 19p13.3.
Variant type: Indel.
Coding change: c.303_304delinsAG on transcript NM_000064.4 (MANE Select); coding-DNA positions 303 to 304, GC replaced by AG.
Protein change: p.Arg102Gly; replaces arginine 102 with glycine.
Molecular consequence: missense variant.
Genome position (GRCh38, 1-based): chr19:6,718,376-6,718,377, GC replaced by CT on the plus strand (GC replaced by AG on the coding strand, the reverse complement: C3 is on the minus strand). VCF-style: chr19-6718376-GC-CT. GRCh37 (hg19) VCF-style: chr19-6718387-GC-CT.
Other names: short protein forms R102G.
Identifiers: ClinVar variation 2769528 (VCV002769528.3), dbSNP rs2512271118, ClinGen allele CA2697556137.
Genomic context (GRCh38, chr19:6,718,376, plus strand): 5'-GCACCACCTTCTCCACCACTTGGGTCCCGAAGGTGGCCTGCACGGTCACGAACTTGTTGC[GC>CT]CCCTTTTCTGACTTGAACTCCCTGTTGGCTGGGATCTAGGCGTGGGCAGGGCATTGTCAG-3'
Protein context (NP_000055.2, residues 92-112): ANREFKSEKG[Arg102Gly]NKFVTVQATF

ClinVar aggregate classification (germline): Uncertain significance (1 of 4 stars; one submission).

Submission:

Labcorp Genetics (formerly Invitae), Labcorp
Classification: Uncertain significance. Last evaluated: 2025-06-02. Review status: criteria provided, single submitter. Criteria: Invitae Variant Classification Sherloc (09022015). Collection method: clinical testing. Allele origin: germline.
Comment: This sequence change replaces arginine, which is basic and polar, with glycine, which is neutral and non-polar, at codon 102 of the C3 protein (p.Arg102Gly). Information on the frequency of this variant in the gnomAD database is not available, as this variant may be reported differently in the database. This variant has not been reported in the literature in individuals affected with C3-related conditions. ClinVar contains an entry for this variant (Variation ID: 2769528). Algorithms developed to predict the effect of variants on gene product structure and function are not available or were not evaluated for this variant. Experimental studies have shown that this missense change affects C3 function (PMID: 21555552). In summary, the available evidence is currently insufficient to determine the role of this variant in disease. Therefore, it has been classified as a Variant of Uncertain Significance.

Literature cited by the submitters: PubMed 21555552.